The following is an entry in ClinVar:

NM_000878.5(IL2RB):c.1404C>A (p.Asp468Glu)

Gene: IL2RB (interleukin 2 receptor subunit beta; minus strand). Cytogenetic location: 22q12.3.
Variant type: single nucleotide variant.
Coding change: c.1404C>A on transcript NM_000878.5 (MANE Select); coding-DNA position 1404, C replaced by A.
Protein change: p.Asp468Glu; replaces aspartic acid 468 with glutamic acid.
Molecular consequence: missense variant.
Genome position (GRCh38, 1-based): chr22:37,128,348, G>T on the plus strand (C>A on the coding strand, the complement: IL2RB is on the minus strand). VCF-style: chr22-37128348-G-T. GRCh37 (hg19) VCF-style: chr22-37524388-G-T.
Other names: c.1404C>A, p.Asp468Glu (NM_001346222.1, NM_001346223.2); short protein forms D468E.
Identifiers: ClinVar variation 2008457 (VCV002008457.4), dbSNP rs35134562, ClinGen allele CA411424190.
Genomic context (GRCh38, chr22:37,128,348, plus strand): 5'-GGGTGGCTGAAAATCCACCAGGTCTGGGACTCCTGGGGTGGGAGGCCCCAGGGGCTGGGG[G>T]TCCCAGTCTCTGGGGACTCTTTCTTGCAAAGAAGGGGGCATCCTCTCTTCACCGGCCCCA-3'
Protein context (NP_000869.1, residues 458-478): SLQERVPRDW[Asp468Glu]PQPLGPPTPG

ClinVar aggregate classification (germline): Uncertain significance (1 of 4 stars; one submission).

Submission:

Labcorp Genetics (formerly Invitae), Labcorp
Classification: Uncertain significance. Last evaluated: 2022-06-19. Review status: criteria provided, single submitter. Criteria: Invitae Variant Classification Sherloc (09022015). Collection method: clinical testing. Allele origin: germline.
Comment: In summary, the available evidence is currently insufficient to determine the role of this variant in disease. Therefore, it has been classified as a Variant of Uncertain Significance. Algorithms developed to predict the effect of missense changes on protein structure and function (SIFT, PolyPhen-2, Align-GVGD) all suggest that this variant is likely to be tolerated. This variant has not been reported in the literature in individuals affected with IL2RB-related conditions. This variant is not present in population databases (gnomAD no frequency). This sequence change replaces aspartic acid, which is acidic and polar, with glutamic acid, which is acidic and polar, at codon 468 of the IL2RB protein (p.Asp468Glu).